The following is an entry in ClinVar:

ClinVar aggregate classification (germline): Uncertain significance (1 of 4 stars; one submission).

Submission:

Labcorp Genetics (formerly Invitae), Labcorp
Classification: Uncertain significance. Last evaluated: 2024-07-06. Review status: criteria provided, single submitter. Criteria: Invitae Variant Classification Sherloc (09022015). Collection method: clinical testing. Allele origin: germline.
Comment: This sequence change replaces methionine, which is neutral and non-polar, with isoleucine, which is neutral and non-polar, at codon 70 of the NDUFB8 protein (p.Met70Ile). This variant is not present in population databases (gnomAD no frequency). This variant has not been reported in the literature in individuals affected with NDUFB8-related conditions. An algorithm developed to predict the effect of missense changes on protein structure and function (PolyPhen-2) suggests that this variant is likely to be tolerated. In summary, the available evidence is currently insufficient to determine the role of this variant in disease. Therefore, it has been classified as a Variant of Uncertain Significance.

NM_005004.4(NDUFB8):c.210G>A (p.Met70Ile)

Gene: NDUFB8 (NADH:ubiquinone oxidoreductase subunit B8; minus strand). Cytogenetic location: 10q24.31.
Variant type: single nucleotide variant.
Coding change: c.210G>A on transcript NM_005004.4 (MANE Select); coding-DNA position 210, G replaced by A.
Protein change: p.Met70Ile; replaces methionine 70 with isoleucine.
Molecular consequence: missense variant.
Genome position (GRCh38, 1-based): chr10:100,529,382, C>T on the plus strand (G>A on the coding strand, the complement: NDUFB8 is on the minus strand). VCF-style: chr10-100529382-C-T. GRCh37 (hg19) VCF-style: chr10-102289139-C-T.
Other names: c.210G>A, p.Met70Ile (NM_001284367.2); c.117G>A, p.Met39Ile (NM_001284368.1); short protein forms M70I, M39I.
Identifiers: ClinVar variation 3685379 (VCV003685379.2).